The following is an entry in ClinVar:

ClinVar aggregate classification (germline): Uncertain significance. Review status: criteria provided, multiple submitters, no conflicts (2 of 4 stars). 3 submissions from 3 submitters: Uncertain significance (3). Last evaluated 2025-08-03.

Conditions:
Familial cancer of breast. Also called: BREAST CANCER, FAMILIAL; Hereditary breast cancer; hereditary breast carcinoma. Identifiers: Orphanet 227535, MedGen C0346153, MONDO:0016419, OMIM 114480. Disease mechanism: loss of function.
Hereditary cancer-predisposing syndrome. Also called: Hereditary neoplastic syndrome; Neoplastic Syndromes, Hereditary; Hereditary Cancer Syndrome; Tumor predisposition. Identifiers: Orphanet 140162, MedGen C0027672, MeSH D009386, MONDO:0015356.

Submissions (3):

Ambry Genetics
Classification: Uncertain significance for Hereditary cancer-predisposing syndrome. Last evaluated: 2025-08-03. Review status: criteria provided, single submitter. Criteria: Ambry Variant Classification Scheme 2023. Collection method: clinical testing. Allele origin: germline.
Comment: The p.L268V variant (also known as c.802C>G), located in coding exon 6 of the CHEK2 gene, results from a C to G substitution at nucleotide position 802. The leucine at codon 268 is replaced by valine, an amino acid with highly similar properties. This amino acid position is not well conserved in available vertebrate species. In addition, this alteration is predicted to be tolerated by in silico analysis. Since supporting evidence is limited at this time, the clinical significance of this alteration remains unclear.

Labcorp Genetics (formerly Invitae), Labcorp
Classification: Uncertain significance for Familial cancer of breast. Last evaluated: 2025-01-21. Review status: criteria provided, single submitter. Criteria: Invitae Variant Classification Sherloc (09022015). Collection method: clinical testing. Allele origin: germline.
Comment: This sequence change replaces leucine, which is neutral and non-polar, with valine, which is neutral and non-polar, at codon 268 of the CHEK2 protein (p.Leu268Val). This variant is not present in population databases (gnomAD no frequency). This variant has not been reported in the literature in individuals affected with CHEK2-related conditions. ClinVar contains an entry for this variant (Variation ID: 530188). An algorithm developed to predict the effect of missense changes on protein structure and function (PolyPhen-2) suggests that this variant is likely to be tolerated. In summary, the available evidence is currently insufficient to determine the role of this variant in disease. Therefore, it has been classified as a Variant of Uncertain Significance.

GeneDx
Classification: Uncertain significance. Last evaluated: 2024-04-23. Review status: criteria provided, single submitter. Criteria: GeneDx Variant Classification Process June 2021. Collection method: clinical testing. Allele origin: germline. Affected: yes.
Comment: Not observed at significant frequency in large population cohorts (gnomAD); In silico analysis indicates that this missense variant does not alter protein structure/function; Not observed in any cases, but was observed among unaffected controls in a breast cancer study (PMID: 37449874); Published functional studies suggest a neutral effect: demonstrates auto-phosphorylation and kinase activity against KAP1 similar to wild type (PMID: 37449874); This variant is associated with the following publications: (PMID: 22419737, 19782031, 33471991, 37449874)

NM_007194.4(CHEK2):c.802C>G (p.Leu268Val)

Gene: CHEK2 (checkpoint kinase 2; minus strand). Cytogenetic location: 22q12.1.
Variant type: single nucleotide variant.
Coding change: c.802C>G on transcript NM_007194.4 (MANE Select); coding-DNA position 802, C replaced by G.
Protein change: p.Leu268Val; replaces leucine 268 with valine.
Molecular consequence: missense variant.
Genome position (GRCh38, 1-based): chr22:28,710,050, G>C on the plus strand (C>G on the coding strand, the complement: CHEK2 is on the minus strand). VCF-style: chr22-28710050-G-C. GRCh37 (hg19) VCF-style: chr22-29106038-G-C.
Other names: c.931C>G, p.Leu311Val (NM_001005735.3); c.139C>G, p.Leu47Val (NM_001257387.3); c.601C>G, p.Leu201Val (NM_001349956.3); c.802C>G, p.Leu268Val (NM_145862.3); short protein forms L268V, L47V, L201V, L311V.
Identifiers: ClinVar variation 530188 (VCV000530188.14), dbSNP rs766462610, ClinGen allele CA411102489.